The following is an entry in ClinVar:

NM_000780.4(CYP7A1):c.517T>G (p.Ser173Ala)

Gene: CYP7A1 (cytochrome P450 family 7 subfamily A member 1; minus strand). Cytogenetic location: 8q12.1.
Variant type: single nucleotide variant.
Coding change: c.517T>G on transcript NM_000780.4 (MANE Select); coding-DNA position 517, T replaced by G.
Protein change: p.Ser173Ala; replaces serine 173 with alanine.
Molecular consequence: missense variant.
Genome position (GRCh38, 1-based): chr8:58,496,995, A>C on the plus strand (T>G on the coding strand, the complement: CYP7A1 is on the minus strand). VCF-style: chr8-58496995-A-C. GRCh37 (hg19) VCF-style: chr8-59409554-A-C.
Other names: short protein forms S173A.
Identifiers: ClinVar variation 3352371 (VCV003352371.2).

ClinVar aggregate classification (germline): Uncertain significance (1 of 4 stars; one submission).

Conditions:
CYP7A1-related disorder. Also called: CYP7A1-related condition.

Submission:

PreventionGenetics, part of Exact Sciences
Classification: Uncertain significance for CYP7A1-related condition. Last evaluated: 2026-08-10. Review status: criteria provided, single submitter. Criteria: ACMG Guidelines, 2015. Collection method: clinical testing. Allele origin: germline.
Comment: The CYP7A1 c.517T>G variant is predicted to result in the amino acid substitution p.Ser173Ala. To our knowledge, this variant has not been reported in the literature or in a large population database (gnomAD), indicating this variant is rare. At this time, the clinical significance of this variant is uncertain due to the absence of conclusive functional and genetic evidence.